The following is an entry in ClinVar:

ClinVar aggregate classification (germline): Uncertain significance (1 of 4 stars; one submission).

gnomAD v4.1: 6 of 1,613,164 alleles (0.00037%); highest among the groups gnomAD compares: Admixed American, 0.005%; no homozygotes.

Submission:

Women's Health and Genetics/Laboratory Corporation of America, LabCorp
Classification: Uncertain significance. Last evaluated: 2024-11-14. Review status: criteria provided, single submitter. Criteria: LabCorp Variant Classification Summary - May 2015. Collection method: clinical testing. Allele origin: germline.
Comment: Variant summary: SMARCA2 c.2185-8C>G alters a nucleotide located close to a canonical splice site and therefore could affect mRNA splicing, leading to a significantly altered protein sequence. Several computational tools predict a significant impact on normal splicing: Two predict the variant weakens a canonical 3' acceptor site. One predict the variant abolishes a canonical 3' acceptor site. However, these predictions have yet to be confirmed by functional studies. The variant allele was found at a frequency of 1.2e-05 in 250740 control chromosomes. The available data on variant occurrences in the general population are insufficient to allow any conclusion about variant significance. To our knowledge, no occurrence of c.2185-8C>G in individuals affected with Nicolaides-Baraitser Syndrome and no experimental evidence demonstrating its impact on protein function have been reported. No submitters have cited clinical-significance assessments for this variant to ClinVar. Based on the evidence outlined above, the variant was classified as uncertain significance.

NM_003070.5(SMARCA2):c.2185-8C>G

Gene: SMARCA2 (SWI/SNF related BAF chromatin remodeling complex subunit ATPase 2; plus strand). Cytogenetic location: 9p24.3.
Variant type: single nucleotide variant.
Coding change: c.2185-8C>G on transcript NM_003070.5 (MANE Select); 8 bases into the intron before coding-DNA position 2185, C replaced by G.
Molecular consequence: intron variant.
Genome position (GRCh38, 1-based): chr9:2,081,824, C>G. VCF-style: chr9-2081824-C-G. GRCh37 (hg19) VCF-style: chr9-2081824-C-G.
Other names: c.2185-8C>G (NM_139045.4, NM_001289397.2, NM_001289396.2).
Identifiers: ClinVar variation 3629640 (VCV003629640.1).